The following is an entry in ClinVar:

ClinVar aggregate classification (germline): Uncertain significance (1 of 4 stars; one submission).

Allele frequency attached by ClinVar (database versions not stated): gnomAD 0.00009; gnomAD exomes 0.00013 and 0.00015; ExAC 0.00014; TOPMed 0.00014; ESP Exome Variant Server 0.00038.
gnomAD v4.1: 231 of 1,612,470 alleles (0.014%); highest among the groups gnomAD compares: Non-Finnish European, 0.018%; no homozygotes.

Submission:

Labcorp Genetics (formerly Invitae), Labcorp
Classification: Uncertain significance. Last evaluated: 2022-07-21. Review status: criteria provided, single submitter. Criteria: Invitae Variant Classification Sherloc (09022015). Collection method: clinical testing. Allele origin: germline.
Comment: This sequence change replaces alanine, which is neutral and non-polar, with threonine, which is neutral and polar, at codon 804 of the ZNF341 protein (p.Ala804Thr). This variant is present in population databases (rs145551003, gnomAD 0.02%). This variant has not been reported in the literature in individuals affected with ZNF341-related conditions. ClinVar contains an entry for this variant (Variation ID: 1352768). Algorithms developed to predict the effect of missense changes on protein structure and function (SIFT, PolyPhen-2, Align-GVGD) all suggest that this variant is likely to be tolerated. In summary, the available evidence is currently insufficient to determine the role of this variant in disease. Therefore, it has been classified as a Variant of Uncertain Significance.

NM_001282933.2(ZNF341):c.2431G>A (p.Ala811Thr)

Genes: ZNF341 (zinc finger protein 341; plus strand), ZNF341-AS1 (ZNF341 antisense RNA 1; minus strand). Cytogenetic location: 20q11.22.
Variant type: single nucleotide variant.
Coding change: c.2431G>A on transcript NM_001282933.2 (MANE Select); coding-DNA position 2431, G replaced by A.
Protein change: p.Ala811Thr; replaces alanine 811 with threonine.
Molecular consequence: missense variant. On other transcripts: non-coding transcript variant (1).
Genome position (GRCh38, 1-based): chr20:33,791,383, G>A. VCF-style: chr20-33791383-G-A. GRCh37 (hg19) VCF-style: chr20-32379189-G-A.
Other names: c.2161G>A, p.Ala721Thr (NM_001282935.2); c.2410G>A, p.Ala804Thr (NM_032819.5); short protein forms A804T, A811T, A721T.
Identifiers: ClinVar variation 1352768 (VCV001352768.3), dbSNP rs145551003, ClinGen allele CA9819806.